The following is an entry in ClinVar:

NM_015466.4(PTPN23):c.3825C>T (p.Leu1275=)

Gene: PTPN23 (protein tyrosine phosphatase non-receptor type 23; plus strand). Cytogenetic location: 3p21.31.
Variant type: single nucleotide variant.
Coding change: c.3825C>T on transcript NM_015466.4 (MANE Select); coding-DNA position 3825, C replaced by T.
Protein change: p.Leu1275=; no amino-acid change (leucine 1275 retained).
Molecular consequence: synonymous variant.
Genome position (GRCh38, 1-based): chr3:47,411,623, C>T. VCF-style: chr3-47411623-C-T. GRCh37 (hg19) VCF-style: chr3-47453113-C-T.
Other names: c.3447C>T, p.Leu1149= (NM_001304482.2); c.3825C>T (NM_015466.3).
Identifiers: ClinVar variation 1641373 (VCV001641373.38), dbSNP rs150033678, ClinGen allele CA2366357.

ClinVar aggregate classification (germline): Likely benign. Review status: criteria provided, multiple submitters, no conflicts (2 of 4 stars). 4 submissions from 4 submitters: Likely benign (3). 1 of the submissions does not count toward it. Last evaluated 2026-07-01.

Conditions:
PTPN23-related disorder. Also called: PTPN23-related condition.

Allele frequency attached by ClinVar (database versions not stated): 1000 Genomes Project 30x 0.00016; 1000 Genomes Project 0.00020; gnomAD exomes 0.00050 and 0.00080; gnomAD 0.00051; TOPMed 0.00060; ExAC 0.00061; ESP Exome Variant Server 0.00092.
gnomAD v4.1: 1,239 of 1,611,828 alleles (0.077%); highest among the groups gnomAD compares: Non-Finnish European, 0.097%; 1 homozygote.

Submissions (4):

CeGaT Center for Human Genetics Tuebingen
Classification: Likely benign. Last evaluated: 2026-07-01. Review status: criteria provided, single submitter. Criteria: CeGaT Center For Human Genetics Tuebingen Variant Classification Criteria Version 2. Collection method: clinical testing. Allele origin: germline. Affected: yes. Observed: 3 variant alleles.
Comment: PTPN23: BP4, BP7

Labcorp Genetics (formerly Invitae), Labcorp
Classification: Likely benign. Last evaluated: 2026-02-02. Review status: criteria provided, single submitter. Criteria: Invitae Variant Classification Sherloc (09022015). Collection method: clinical testing. Allele origin: germline.

Blueprint Genetics
Classification: Likely benign. Last evaluated: 2024-11-20. Review status: criteria provided, single submitter. Criteria: ACMG Guidelines, 2015. Collection method: clinical testing. Allele origin: germline.

PreventionGenetics, part of Exact Sciences
Classification: Likely benign for PTPN23-related condition. Last evaluated: 2024-02-21. Review status: no assertion criteria provided. Collection method: clinical testing. Allele origin: germline. Not counted in ClinVar's aggregate classification.
Comment: This variant is classified as likely benign based on ACMG/AMP sequence variant interpretation guidelines (Richards et al. 2015 PMID: 25741868, with internal and published modifications).